The following is an entry in ClinVar:

ClinVar aggregate classification (germline): Uncertain significance (1 of 4 stars; one submission).

Submission:

Labcorp Genetics (formerly Invitae), Labcorp
Classification: Uncertain significance. Last evaluated: 2025-07-03. Review status: criteria provided, single submitter. Criteria: Invitae Variant Classification Sherloc (09022015). Collection method: clinical testing. Allele origin: germline.
Comment: This sequence change replaces leucine, which is neutral and non-polar, with arginine, which is basic and polar, at codon 91 of the KIDINS220 protein (p.Leu91Arg). This variant is not present in population databases (gnomAD no frequency). This variant has not been reported in the literature in individuals affected with KIDINS220-related conditions. An algorithm developed to predict the effect of missense changes on protein structure and function (PolyPhen-2) suggests that this variant is likely to be disruptive. In summary, the available evidence is currently insufficient to determine the role of this variant in disease. Therefore, it has been classified as a Variant of Uncertain Significance.

NM_020738.4(KIDINS220):c.272T>G (p.Leu91Arg)

Gene: KIDINS220 (kinase D interacting substrate 220; minus strand). Cytogenetic location: 2p25.1.
Variant type: single nucleotide variant.
Coding change: c.272T>G on transcript NM_020738.4 (MANE Select); coding-DNA position 272, T replaced by G.
Protein change: p.Leu91Arg; replaces leucine 91 with arginine.
Molecular consequence: missense variant. On other transcripts: non-coding transcript variant (2).
Genome position (GRCh38, 1-based): chr2:8,817,652, A>C on the plus strand (T>G on the coding strand, the complement: KIDINS220 is on the minus strand). VCF-style: chr2-8817652-A-C. GRCh37 (hg19) VCF-style: chr2-8957782-A-C.
Other names: c.272T>G, p.Leu91Arg (NM_001348729.2, NM_001348731.2, NM_001348732.2 and 9 more transcripts); c.146T>G, p.Leu49Arg (NM_001348736.2); short protein forms L49R, L91R.
Identifiers: ClinVar variation 4696269 (VCV004696269.1).